The following is an entry in ClinVar:

NM_000719.7(CACNA1C):c.6402C>A (p.Tyr2134Ter)

Gene: CACNA1C (calcium voltage-gated channel subunit alpha1 C; plus strand). Cytogenetic location: 12p13.33.
Variant type: single nucleotide variant.
Coding change: c.6402C>A on transcript NM_000719.7 (MANE Select); coding-DNA position 6402, C replaced by A.
Protein change: p.Tyr2134Ter; replaces tyrosine 2134 with a stop codon.
Molecular consequence: nonsense.
Genome position (GRCh38, 1-based): chr12:2,691,184, C>A. VCF-style: chr12-2691184-C-A. GRCh37 (hg19) VCF-style: chr12-2800350-C-A.
Other names: c.6525C>A, p.Tyr2175Ter (NM_001129829.2); c.6507C>A, p.Tyr2169Ter (NM_001129830.3, NM_001167624.3); c.6426C>A, p.Tyr2142Ter (NM_001129837.2, NM_001129838.2); c.6459C>A, p.Tyr2153Ter (NM_001129833.2, NM_001129834.2, NM_001129835.2); c.6453C>A, p.Tyr2151Ter (NM_001129836.2); c.6420C>A, p.Tyr2140Ter (NM_001129839.2); c.6402C>A, p.Tyr2134Ter (NM_001129840.2, NM_001129841.2, NM_001129842.2 and 2 more transcripts); c.6486C>A, p.Tyr2162Ter (NM_001129831.2); and 6 more; short protein forms Y2123*, Y2131*, Y2134*, Y2140*, Y2142*, Y2151*, Y2153*, Y2154*.
Identifiers: ClinVar variation 3899152 (VCV003899152.1).

ClinVar aggregate classification (germline): Uncertain significance (1 of 4 stars; one submission).

Submission:

GeneDx
Classification: Uncertain significance. Last evaluated: 2024-11-11. Review status: criteria provided, single submitter. Criteria: GeneDx Variant Classification Process June 2021. Collection method: clinical testing. Allele origin: germline. Affected: yes.
Comment: Not observed at significant frequency in large population cohorts (gnomAD); Nonsense variant predicted to result in protein truncation as the last five amino acids are lost; Has not been previously published as pathogenic or benign to our knowledge